The following is an entry in ClinVar:

ClinVar aggregate classification (germline): Uncertain significance (1 of 4 stars; one submission).

Submission:

GeneDx
Classification: Uncertain significance. Last evaluated: 2025-01-03. Review status: criteria provided, single submitter. Criteria: GeneDx Variant Classification Process June 2021. Collection method: clinical testing. Allele origin: germline. Affected: yes.
Comment: Not observed at significant frequency in large population cohorts (gnomAD); In silico analysis indicates that this missense variant does not alter protein structure/function; Has not been previously published as pathogenic or benign to our knowledge.

NM_133433.4(NIPBL):c.197T>C (p.Val66Ala)

Gene: NIPBL (NIPBL cohesin loading factor; plus strand). Cytogenetic location: 5p13.2.
Variant type: single nucleotide variant.
Coding change: c.197T>C on transcript NM_133433.4 (MANE Select); coding-DNA position 197, T replaced by C.
Protein change: p.Val66Ala; replaces valine 66 with alanine.
Molecular consequence: missense variant.
Genome position (GRCh38, 1-based): chr5:36,955,604, T>C. VCF-style: chr5-36955604-T-C. GRCh37 (hg19) VCF-style: chr5-36955706-T-C.
Other names: c.197T>C, p.Val66Ala (NM_015384.5); short protein forms V66A.
Identifiers: ClinVar variation 4055946 (VCV004055946.1).